The following is an entry in ClinVar:

ClinVar aggregate classification (germline): Uncertain significance (1 of 4 stars; one submission).

Submission:

Ambry Genetics
Classification: Uncertain significance. Last evaluated: 2025-01-19. Review status: criteria provided, single submitter. Criteria: Ambry Variant Classification Scheme 2023. Collection method: clinical testing. Allele origin: germline.
Comment: The p.M443I variant (also known as c.1329G>A), located in coding exon 10 of the RECQL gene, results from a G to A substitution at nucleotide position 1329. The methionine at codon 443 is replaced by isoleucine, an amino acid with highly similar properties. This amino acid position is conserved. In addition, this alteration is predicted to be tolerated by in silico analysis. Since supporting evidence is limited at this time, the clinical significance of this alteration remains unclear.

NM_002907.4(RECQL):c.1329G>A (p.Met443Ile)

Gene: RECQL (RecQ like helicase; minus strand). Cytogenetic location: 12p12.1.
Variant type: single nucleotide variant.
Coding change: c.1329G>A on transcript NM_002907.4 (MANE Select); coding-DNA position 1329, G replaced by A.
Protein change: p.Met443Ile; replaces methionine 443 with isoleucine.
Molecular consequence: missense variant.
Genome position (GRCh38, 1-based): chr12:21,474,867, C>T on the plus strand (G>A on the coding strand, the complement: RECQL is on the minus strand). VCF-style: chr12-21474867-C-T. GRCh37 (hg19) VCF-style: chr12-21627801-C-T.
Other names: c.1329G>A, p.Met443Ile (NM_032941.3); short protein forms M443I.
Identifiers: ClinVar variation 1770086 (VCV001770086.3), dbSNP rs2540340418, ClinGen allele CA384118260.
Genomic context (GRCh38, chr12:21,474,867, plus strand): 5'-ATTGATAAAAGTTATAAAAAGGTATGTGGCTTACTTGCTTATGTTTTGACAGTATGATAC[C>T]ATCTCATAAAGCTTCTGCTGTCCCACATTTTCCATCACCACCATTGAACTTATTCTGAAT-3'
Protein context (NP_002898.2, residues 433-453): ENVGQQKLYE[Met443Ile]VSYCQNISKC